The following is an entry in ClinVar:

NM_001291088.2(WDR87):c.3457G>A (p.Glu1153Lys)

Gene: WDR87 (WD repeat domain 87; minus strand). Cytogenetic location: 19q13.13.
Variant type: single nucleotide variant.
Coding change: c.3457G>A on transcript NM_001291088.2 (MANE Select); coding-DNA position 3457, G replaced by A.
Protein change: p.Glu1153Lys; replaces glutamic acid 1153 with lysine.
Molecular consequence: missense variant.
Genome position (GRCh38, 1-based): chr19:37,890,214, C>T on the plus strand (G>A on the coding strand, the complement: WDR87 is on the minus strand). VCF-style: chr19-37890214-C-T. GRCh37 (hg19) VCF-style: chr19-38380854-C-T.
Other names: c.3340G>A, p.Glu1114Lys (NM_031951.5); short protein forms E1114K, E1153K.
Identifiers: ClinVar variation 2085649 (VCV002085649.4), dbSNP rs772960049, ClinGen allele CA9408719.

ClinVar aggregate classification (germline): Uncertain significance (1 of 4 stars; one submission).

Allele frequency attached by ClinVar (database versions not stated): TOPMed 0.00010; ExAC 0.00019; gnomAD exomes 0.00019.

Submission:

Labcorp Genetics (formerly Invitae), Labcorp
Classification: Uncertain significance. Last evaluated: 2022-03-25. Review status: criteria provided, single submitter. Criteria: Invitae Variant Classification Sherloc (09022015). Collection method: clinical testing. Allele origin: germline.
Comment: In summary, the available evidence is currently insufficient to determine the role of this variant in disease. Therefore, it has been classified as a Variant of Uncertain Significance. Algorithms developed to predict the effect of missense changes on protein structure and function output the following: SIFT: "Tolerated"; PolyPhen-2: "Benign"; Align-GVGD: "Class C0". The lysine amino acid residue is found in multiple mammalian species, which suggests that this missense change does not adversely affect protein function. This variant has not been reported in the literature in individuals affected with WDR87-related conditions. This variant is present in population databases (rs772960049, gnomAD 0.06%), and has an allele count higher than expected for a pathogenic variant. This sequence change replaces glutamic acid, which is acidic and polar, with lysine, which is basic and polar, at codon 1114 of the WDR87 protein (p.Glu1114Lys).